The following is an entry in ClinVar:

NM_007078.3(LDB3):c.706G>C (p.Asp236His)

Gene: LDB3 (LIM domain binding 3; plus strand). Cytogenetic location: 10q23.2.
Variant type: single nucleotide variant.
Coding change: c.706G>C on transcript NM_007078.3 (MANE Select); coding-DNA position 706, G replaced by C.
Protein change: p.Asp236His; replaces aspartic acid 236 with histidine.
Molecular consequence: missense variant.
Genome position (GRCh38, 1-based): chr10:86,691,912, G>C. VCF-style: chr10-86691912-G-C. GRCh37 (hg19) VCF-style: chr10-88451669-G-C.
Other names: c.565G>C, p.Asp189His (NM_001080114.2, NM_001080116.1, NM_001368066.1 and 2 more transcripts); c.706G>C, p.Asp236His (NM_001080115.2, NM_001368063.1, NM_001368064.1 and 1 more transcripts); c.910G>C, p.Asp304His (NM_001171610.2, NM_001171611.2); short protein forms D304H, D189H, D236H.
Identifiers: ClinVar variation 2185505 (VCV002185505.5), dbSNP rs1845781078, ClinGen allele CA377442833.

ClinVar aggregate classification (germline): Uncertain significance. Review status: criteria provided, multiple submitters, no conflicts (2 of 4 stars). 2 submissions from 2 submitters: Uncertain significance (2). Last evaluated 2025-08-30.

Conditions:
Myofibrillar myopathy 4. Also called: Zaspopathy (type). Identifiers: Orphanet 98912, MedGen C4721886, MONDO:0012277, OMIM 609452.
Cardiovascular phenotype. Identifiers: MedGen CN230736.

Allele frequency attached by ClinVar (database versions not stated): gnomAD exomes below 0.00001.
gnomAD v4.1: 1 of 1,614,154 alleles (0.000062%); highest among the groups gnomAD compares: Admixed American, 0.0017%; no homozygotes.

Submissions (2):

Labcorp Genetics (formerly Invitae), Labcorp
Classification: Uncertain significance for Myofibrillar myopathy 4. Last evaluated: 2025-08-30. Review status: criteria provided, single submitter. Criteria: Invitae Variant Classification Sherloc (09022015). Collection method: clinical testing. Allele origin: germline.
Comment: This sequence change replaces aspartic acid, which is acidic and polar, with histidine, which is basic and polar, at codon 189 of the LDB3 protein (p.Asp189His). This variant is not present in population databases (gnomAD no frequency). This variant has not been reported in the literature in individuals affected with LDB3-related conditions. ClinVar contains an entry for this variant (Variation ID: 2185505). An algorithm developed to predict the effect of missense changes on protein structure and function (PolyPhen-2) suggests that this variant is likely to be tolerated. In summary, the available evidence is currently insufficient to determine the role of this variant in disease. Therefore, it has been classified as a Variant of Uncertain Significance.

Ambry Genetics
Classification: Uncertain significance for Cardiovascular phenotype. Last evaluated: 2025-05-30. Review status: criteria provided, single submitter. Criteria: Ambry Variant Classification Scheme 2023. Collection method: clinical testing. Allele origin: germline.